The following is an entry in ClinVar:

NM_000245.4(MET):c.2334T>G (p.Asn778Lys)

Gene: MET (MET proto-oncogene, receptor tyrosine kinase; plus strand). Cytogenetic location: 7q31.2.
Variant type: single nucleotide variant.
Coding change: c.2334T>G on transcript NM_000245.4 (MANE Select); coding-DNA position 2334, T replaced by G.
Protein change: p.Asn778Lys; replaces asparagine 778 with lysine.
Molecular consequence: missense variant.
Genome position (GRCh38, 1-based): chr7:116,759,460, T>G. VCF-style: chr7-116759460-T-G. GRCh37 (hg19) VCF-style: chr7-116399514-T-G.
Other names: c.2388T>G, p.Asn796Lys (NM_001127500.3); c.2334T>G, p.Asn778Lys (NM_001324401.3); c.1044T>G, p.Asn348Lys (NM_001324402.2); short protein forms N796K, N778K, N348K.
Identifiers: ClinVar variation 1428933 (VCV001428933.11), dbSNP rs2116938738, ClinGen allele CA368982422.
Genomic context (GRCh38, chr7:116,759,460, plus strand): 5'-CACAATAACAGGTGTTGGGAAAAACCTGAATTCAGTTAGTGTCCCGAGAATGGTCATAAA[T>G]GTGCATGAAGCAGGAAGGAACTTTACAGTGGTAAGTCCTTTGAGCAATGGTTCTACTCAG-3'
Protein context (NP_000236.2, residues 768-788): NSVSVPRMVI[Asn778Lys]VHEAGRNFTV

ClinVar aggregate classification (germline): Conflicting classifications of pathogenicity. Review status: criteria provided, conflicting classifications (1 of 4 stars). 2 submissions from 2 submitters: Uncertain significance (1); Likely benign (1). Last evaluated 2026-07-10.

Conditions:
Renal cell carcinoma. Identifiers: Orphanet 217071, MedGen C0007134, MeSH D002292, MONDO:0005086, HP:0005584.
Hereditary cancer-predisposing syndrome. Also called: Hereditary Cancer Syndrome; Neoplastic Syndromes, Hereditary; Hereditary neoplastic syndrome; Tumor predisposition. Identifiers: Orphanet 140162, MedGen C0027672, MeSH D009386, MONDO:0015356.

Submissions (2):

Ambry Genetics
Classification: Likely benign for Hereditary cancer-predisposing syndrome. Last evaluated: 2026-07-10. Review status: criteria provided, single submitter. Criteria: Ambry Variant Classification Scheme 2023. Collection method: clinical testing. Allele origin: germline.

Labcorp Genetics (formerly Invitae), Labcorp
Classification: Uncertain significance for Renal cell carcinoma. Last evaluated: 2025-06-10. Review status: criteria provided, single submitter. Criteria: Invitae Variant Classification Sherloc (09022015). Collection method: clinical testing. Allele origin: germline.
Comment: This sequence change replaces asparagine, which is neutral and polar, with lysine, which is basic and polar, at codon 796 of the MET protein (p.Asn796Lys). This variant is not present in population databases (gnomAD no frequency). This variant has not been reported in the literature in individuals affected with MET-related conditions. ClinVar contains an entry for this variant (Variation ID: 1428933). Invitae Evidence Modeling of protein sequence and biophysical properties (such as structural, functional, and spatial information, amino acid conservation, physicochemical variation, residue mobility, and thermodynamic stability) indicates that this missense variant is not expected to disrupt MET protein function with a negative predictive value of 80%. In summary, the available evidence is currently insufficient to determine the role of this variant in disease. Therefore, it has been classified as a Variant of Uncertain Significance.